The following is an entry in ClinVar:

NM_000268.4(NF2):c.296A>G (p.Lys99Arg)

Gene: NF2 (NF2, moesin-ezrin-radixin like (MERLIN) tumor suppressor; plus strand). Cytogenetic location: 22q12.2.
Variant type: single nucleotide variant.
Coding change: c.296A>G on transcript NM_000268.4 (MANE Select); coding-DNA position 296, A replaced by G.
Protein change: p.Lys99Arg; replaces lysine 99 with arginine.
Molecular consequence: missense variant. On other transcripts: non-coding transcript variant (1), intron variant (3).
Genome position (GRCh38, 1-based): chr22:29,639,145, A>G. VCF-style: chr22-29639145-A-G. GRCh37 (hg19) VCF-style: chr22-30035134-A-G.
Other names: c.296A>G, p.Lys99Arg (NM_016418.5, NM_181825.3, NM_181832.3 and 1 more transcripts); c.170A>G, p.Lys57Arg (NM_181828.3); c.240+2269A>G (NM_181829.3); c.115-3057A>G (NM_181830.3, NM_181831.3); c.296A>G (NM_181832.2); short protein forms K99R, K57R.
Identifiers: ClinVar variation 651188 (VCV000651188.20), dbSNP rs181794923, ClinGen allele CA030323.

ClinVar aggregate classification (germline): Conflicting classifications of pathogenicity. Review status: criteria provided, conflicting classifications (1 of 4 stars). 6 submissions from 6 submitters: Uncertain significance (3); Benign (1); Likely benign (1). 1 of the submissions does not count toward it. Last evaluated 2026-01-18.

Conditions:
NF2-related disorder. Also called: NF2-related condition.
Hereditary cancer-predisposing syndrome. Also called: Tumor predisposition; Neoplastic Syndromes, Hereditary; Hereditary Cancer Syndrome; Hereditary neoplastic syndrome. Identifiers: Orphanet 140162, MedGen C0027672, MeSH D009386, MONDO:0015356.
Neurofibromatosis, type 2 (SWNV). Also called: BILATERAL ACOUSTIC NEUROFIBROMATOSIS; SCHWANNOMATOSIS, VESTIBULAR; NF2-Related Schwannomatosis. Identifiers: Orphanet 637, MedGen C0027832, MONDO:0007039, OMIM 101000. Disease mechanism: loss of function.

Allele frequency attached by ClinVar (database versions not stated): ExAC 0.00001; gnomAD 0.00001; gnomAD exomes 0.00001; 1000 Genomes Project 30x 0.00016; 1000 Genomes Project 0.00020.
gnomAD v4.1: 8 of 1,614,156 alleles (0.0005%); highest among the groups gnomAD compares: Admixed American, 0.013%; no homozygotes.

Submissions (6):

Labcorp Genetics (formerly Invitae), Labcorp
Classification: Likely benign for Neurofibromatosis, type 2. Last evaluated: 2026-01-18. Review status: criteria provided, single submitter. Criteria: Invitae Variant Classification Sherloc (09022015). Collection method: clinical testing. Allele origin: germline.

All of Us Research Program, National Institutes of Health
Classification: Uncertain significance for Neurofibromatosis, type 2. Last evaluated: 2023-06-28. Review status: criteria provided, single submitter. Criteria: ACMG Guidelines, 2015. Collection method: clinical testing. Allele origin: germline. Inheritance: Autosomal dominant inheritance. Observed: 3 variant alleles, 3 heterozygotes.
Comment: This missense variant replaces lysine with arginine at codon 99 of the NF2 protein. Computational prediction suggests that this variant may have deleterious impact on protein structure and function (internally defined REVEL score threshold >= 0.7, PMID: 27666373). To our knowledge, functional studies have not been reported for this variant. This variant has not been reported in individuals affected with hereditary cancer in the literature. This variant has been identified in 3/251468 chromosomes in the general population by the Genome Aggregation Database (gnomAD). The available evidence is insufficient to determine the role of this variant in disease conclusively. Therefore, this variant is classified as a Variant of Uncertain Significance.

This study involves interpretation of variants in research participants for the purpose of population health screening. Participant phenotype was not available at the time of variant classification. Additional details can be found in publication PMID: 35346344, PMCID: PMC8962531

Sema4
Classification: Uncertain significance for Hereditary cancer-predisposing syndrome. Last evaluated: 2022-01-13. Review status: criteria provided, single submitter. Criteria: Sema4 Curation Guidelines. Collection method: curation. Allele origin: germline.
Comment: The NF2 c.296A>G (p.K99R) variant has been reported in a cohort of neurofibromatosis type 2 patients (PMID: 25931164). It was observed in 3/34588 chromosomes of the Latino subpopulation in the large and broad cohorts of the Genome Aggregation Database (PMID: 32461654). The variant has been reported in ClinVar (Variation ID: 651188). In silico tools suggest the impact of the variant on protein function is deleterious, though these predictions have not been confirmed by functional studies. The evidence is insufficient to meet ACMG/AMP criteria for classifying the variant as benign or pathogenic. Thus, the clinical significance of this variant is currently uncertain.

Ambry Genetics
Classification: Benign for Hereditary cancer-predisposing syndrome. Last evaluated: 2021-12-17. Review status: criteria provided, single submitter. Criteria: Ambry Variant Classification Scheme 2023. Collection method: clinical testing. Allele origin: germline.

Genome-Nilou Lab
Classification: Uncertain significance for Neurofibromatosis, type 2. Last evaluated: 2021-11-07. Review status: criteria provided, single submitter. Criteria: ACMG Guidelines, 2015. Collection method: clinical testing. Allele origin: germline. Affected: no.

PreventionGenetics, part of Exact Sciences
Classification: Uncertain significance for NF2-related condition. Last evaluated: 2024-07-19. Review status: no assertion criteria provided. Collection method: clinical testing. Allele origin: germline. Not counted in ClinVar's aggregate classification.
Comment: The NF2 c.296A>G variant is predicted to result in the amino acid substitution p.Lys99Arg. To our knowledge, this variant has not been reported in the literature. This variant is reported in 0.0087% of alleles in individuals of Latino descent in gnomAD and is interpreted as uncertain and benign in ClinVar. At this time, the clinical significance of this variant is uncertain due to the absence of conclusive functional and genetic evidence.

Literature cited by the submitters: PubMed 25931164 (cited by Sema4 and Ambry Genetics).